The following is an entry in ClinVar:

ClinVar aggregate classification (germline): Uncertain significance. Review status: criteria provided, multiple submitters, no conflicts (2 of 4 stars). 2 submissions from 2 submitters: Uncertain significance (2). Last evaluated 2025-11-11.

Allele frequency attached by ClinVar (database versions not stated): gnomAD 0.00008; TOPMed 0.00015; gnomAD exomes 0.00028.

Submissions (2):

Ambry Genetics
Classification: Uncertain significance. Last evaluated: 2025-11-11. Review status: criteria provided, single submitter. Criteria: Ambry Variant Classification Scheme 2023. Collection method: clinical testing. Allele origin: germline.

Labcorp Genetics (formerly Invitae), Labcorp
Classification: Uncertain significance. Last evaluated: 2022-10-20. Review status: criteria provided, single submitter. Criteria: Invitae Variant Classification Sherloc (09022015). Collection method: clinical testing. Allele origin: germline.
Comment: In summary, the available evidence is currently insufficient to determine the role of this variant in disease. Therefore, it has been classified as a Variant of Uncertain Significance. Algorithms developed to predict the effect of missense changes on protein structure and function output the following: SIFT: "Deleterious"; PolyPhen-2: "Not Available"; Align-GVGD: "Class C0". The threonine amino acid residue is found in multiple mammalian species, which suggests that this missense change does not adversely affect protein function. This variant has not been reported in the literature in individuals affected with FBRSL1-related conditions. The frequency data for this variant in the population databases is considered unreliable, as metrics indicate poor data quality at this position in the gnomAD database. This sequence change replaces alanine, which is neutral and non-polar, with threonine, which is neutral and polar, at codon 58 of the FBRSL1 protein (p.Ala58Thr).

NM_001367871.1(FBRSL1):c.172G>A (p.Ala58Thr)

Gene: FBRSL1 (fibrosin like 1; plus strand). Cytogenetic location: 12q24.33.
Variant type: single nucleotide variant.
Coding change: c.172G>A on transcript NM_001367871.1 (MANE Select); coding-DNA position 172, G replaced by A.
Protein change: p.Ala58Thr; replaces alanine 58 with threonine.
Molecular consequence: missense variant. On other transcripts: non-coding transcript variant (1).
Genome position (GRCh38, 1-based): chr12:132,490,742, G>A. VCF-style: chr12-132490742-G-A. GRCh37 (hg19) VCF-style: chr12-133067328-G-A.
Other names: c.172G>A, p.Ala58Thr (NM_001142641.2, NM_001382739.1, NM_001382740.1 and 2 more transcripts); short protein forms A58T.
Identifiers: ClinVar variation 2590404 (VCV002590404.6), dbSNP rs772630698, ClinGen allele CA6890701.